The following is an entry in ClinVar:

NM_000494.4(COL17A1):c.2524G>C (p.Gly842Arg)

Gene: COL17A1 (collagen type XVII alpha 1 chain; minus strand). Cytogenetic location: 10q25.1.
Variant type: single nucleotide variant.
Coding change: c.2524G>C on transcript NM_000494.4 (MANE Select); coding-DNA position 2524, G replaced by C.
Protein change: p.Gly842Arg; replaces glycine 842 with arginine.
Molecular consequence: missense variant.
Genome position (GRCh38, 1-based): chr10:104,042,447, C>G on the plus strand (G>C on the coding strand, the complement: COL17A1 is on the minus strand). VCF-style: chr10-104042447-C-G. GRCh37 (hg19) VCF-style: chr10-105802205-C-G.
Other names: short protein forms G842R.
Identifiers: ClinVar variation 4525917 (VCV004525917.1).
Genomic context (GRCh38, chr10:104,042,447, plus strand): 5'-CATCGCTTTGCATTCTTGCAGGGTGTGACATACCTTGATGTCCTGGGAGACCAGCTGGGC[C>G]GGCAGGGCCTGGAAACGGGGTTGAGGAAGAAAAGGCTAAATCATGCATGTAGGGTCATAG-3'
Protein context (NP_000485.3, residues 832-852): PGPPGAPGPA[Gly842Arg]PAGLPGHQEV

ClinVar aggregate classification (germline): Uncertain significance (1 of 4 stars; one submission).

gnomAD v4.1: 7 of 1,614,048 alleles (0.00043%); highest among the groups gnomAD compares: Non-Finnish European, 0.00059%; no homozygotes.

Submission:

Women's Health and Genetics/Laboratory Corporation of America, LabCorp
Classification: Uncertain significance. Last evaluated: 2025-07-14. Review status: criteria provided, single submitter. Criteria: LabCorp Variant Classification Summary - May 2015. Collection method: clinical testing. Allele origin: germline.
Comment: Variant summary: COL17A1 c.2524G>C (p.Gly842Arg) results in a non-conservative amino acid change in the encoded protein sequence. Algorithms developed to predict the effect of missense changes on protein structure and function all suggest that this variant is likely to be disruptive. The variant was absent in 251270 control chromosomes. The available data on variant occurrences in the general population are insufficient to allow any conclusion about variant significance. To our knowledge, no occurrence of c.2524G>C in individuals affected with Epidermolysis Bullosa, Junctional 4, Intermediate and no experimental evidence demonstrating its impact on protein function have been reported. No submitters have cited clinical-significance assessments for this variant to ClinVar. Based on the evidence outlined above, the variant was classified as uncertain significance.